The following is an entry in ClinVar:

ClinVar aggregate classification (germline): Uncertain significance (1 of 4 stars; one submission).

Conditions:
Familial thoracic aortic aneurysm and aortic dissection (TAAD). Also called: Thoracic aortic aneurysms and dissections. Identifiers: Orphanet 91387, MedGen C4707243, MONDO:0019625.

Submission:

Color Diagnostics, LLC DBA Color Health
Classification: Uncertain significance for Familial thoracic aortic aneurysm and aortic dissection. Last evaluated: 2023-11-20. Review status: criteria provided, single submitter. Criteria: ACMG Guidelines, 2015. Collection method: clinical testing. Allele origin: germline.
Comment: This missense variant replaces lysine with arginine at codon 640 of the MYH11 protein. Computational prediction suggests that this variant may not impact protein structure and function (internally defined REVEL score threshold <= 0.5, PMID: 27666373). To our knowledge, functional studies have not been reported for this variant. This variant has not been reported in individuals affected with MYH11-related disorders in the literature. This variant has not been identified in the general population by the Genome Aggregation Database (gnomAD). The available evidence is insufficient to determine the role of this variant in disease conclusively. Therefore, this variant is classified as a Variant of Uncertain Significance.

NM_002474.3(MYH11):c.1898A>G (p.Lys633Arg)

Gene: MYH11 (myosin heavy chain 11; minus strand). Cytogenetic location: 16p13.11.
Variant type: single nucleotide variant.
Coding change: c.1898A>G on transcript NM_002474.3 (MANE Select); coding-DNA position 1898, A replaced by G.
Protein change: p.Lys633Arg; replaces lysine 633 with arginine.
Molecular consequence: missense variant.
Genome position (GRCh38, 1-based): chr16:15,750,298, T>C on the plus strand (A>G on the coding strand, the complement: MYH11 is on the minus strand). VCF-style: chr16-15750298-T-C. GRCh37 (hg19) VCF-style: chr16-15844155-T-C.
Other names: c.1919A>G, p.Lys640Arg (NM_001040113.2, NM_001040114.2); c.1898A>G, p.Lys633Arg (NM_022844.3); short protein forms K633R, K640R.
Identifiers: ClinVar variation 2773853 (VCV002773853.2), dbSNP rs2506298237, ClinGen allele CA394869171.